The following is an entry in ClinVar:

ClinVar aggregate classification (germline): Uncertain significance (1 of 4 stars; one submission).

gnomAD v4.1: 1 of 1,592,140 alleles (0.000063%); highest among the groups gnomAD compares: African/African-American, 0.0013%; no homozygotes.

Submission:

GeneDx
Classification: Uncertain significance. Last evaluated: 2024-05-02. Review status: criteria provided, single submitter. Criteria: GeneDx Variant Classification Process June 2021. Collection method: clinical testing. Allele origin: germline.
Comment: Not observed at significant frequency in large population cohorts (gnomAD); In silico analysis supports that this missense variant has a deleterious effect on protein structure/function; Has not been previously published as pathogenic or benign to our knowledge

NM_003737.4(DCHS1):c.3359C>G (p.Pro1120Arg)

Gene: DCHS1 (dachsous cadherin-related 1; minus strand). Cytogenetic location: 11p15.4.
Variant type: single nucleotide variant.
Coding change: c.3359C>G on transcript NM_003737.4 (MANE Select); coding-DNA position 3359, C replaced by G.
Protein change: p.Pro1120Arg; replaces proline 1120 with arginine.
Molecular consequence: missense variant.
Genome position (GRCh38, 1-based): chr11:6,632,153, G>C on the plus strand (C>G on the coding strand, the complement: DCHS1 is on the minus strand). VCF-style: chr11-6632153-G-C. GRCh37 (hg19) VCF-style: chr11-6653384-G-C.
Other names: short protein forms P1120R.
Identifiers: ClinVar variation 2497773 (VCV002497773.2), dbSNP rs2493828527, ClinGen allele CA379413877.